The following is an entry in ClinVar:

NM_000137.4(FAH):c.1033del (p.Leu345fs)

Gene: FAH (fumarylacetoacetate hydrolase; plus strand). Cytogenetic location: 15q25.1.
Variant type: Deletion.
Coding change: c.1033del on transcript NM_000137.4 (MANE Select); coding-DNA position 1033, one base deleted (C; older notation c.1033delC).
Protein change: p.Leu345fs; shifts the reading frame from leucine 345.
Molecular consequence: frameshift variant.
Genome position (GRCh38, 1-based): chr15:80,180,196, C deleted; the last of 2 consecutive C bases (chr15:80,180,195-80,180,196); deleting either gives the same sequence. VCF-style (leftmost placement, unchanged base first): chr15-80180194-AC-A. GRCh37 (hg19) VCF-style: chr15-80472536-AC-A.
Other names: c.1033del, p.Leu345fs (NM_001374377.1, NM_001374380.1); short protein forms L345fs.
Identifiers: ClinVar variation 2998364 (VCV002998364.3), dbSNP rs2505861359, ClinGen allele CA2740096741.

ClinVar aggregate classification (germline): Pathogenic (1 of 4 stars; one submission).

Conditions:
Tyrosinemia type I (TYRSN1). Also called: FAH DEFICIENCY; HEPATORENAL TYROSINEMIA; Tyrosinemia type 1; Fumarylacetoacetase deficiency; Deficiency of fumarylacetoacetase. Identifiers: Orphanet 882, MedGen C0268490, MONDO:0010161, OMIM 276700. Disease mechanism: loss of function.

Submission:

Labcorp Genetics (formerly Invitae), Labcorp
Classification: Pathogenic for Tyrosinemia type I. Last evaluated: 2024-01-30. Review status: criteria provided, single submitter. Criteria: Invitae Variant Classification Sherloc (09022015). Collection method: clinical testing. Allele origin: germline.
Comment: This sequence change creates a premature translational stop signal (p.Leu345Serfs*29) in the FAH gene. It is expected to result in an absent or disrupted protein product. Loss-of-function variants in FAH are known to be pathogenic (PMID: 9101289, 9633815). This variant is not present in population databases (gnomAD no frequency). This variant has not been reported in the literature in individuals affected with FAH-related conditions. For these reasons, this variant has been classified as Pathogenic.

Literature cited by the submitters: PubMed 9101289; PubMed 9633815.